The following is an entry in ClinVar:

NM_030973.4(MED25):c.955C>T (p.Pro319Ser)

Gene: MED25 (mediator complex subunit 25; plus strand). Cytogenetic location: 19q13.33.
Variant type: single nucleotide variant.
Coding change: c.955C>T on transcript NM_030973.4 (MANE Select); coding-DNA position 955, C replaced by T.
Protein change: p.Pro319Ser; replaces proline 319 with serine.
Molecular consequence: missense variant.
Genome position (GRCh38, 1-based): chr19:49,830,741, C>T. VCF-style: chr19-49830741-C-T. GRCh37 (hg19) VCF-style: chr19-50333998-C-T.
Other names: c.955C>T, p.Pro319Ser (NM_001378355.1); short protein forms P319S.
Identifiers: ClinVar variation 957663 (VCV000957663.10), dbSNP rs886357105, ClinGen allele CA406914960.

ClinVar aggregate classification (germline): Uncertain significance (1 of 4 stars; one submission).

Conditions:
Charcot-Marie-Tooth disease type 2. Also called: Charcot-Marie-Tooth type 2. Identifiers: Orphanet 64746, MedGen C0270914, MONDO:0018993.

Allele frequency attached by ClinVar (database versions not stated): TOPMed below 0.00001.

Submission:

Labcorp Genetics (formerly Invitae), Labcorp
Classification: Uncertain significance for Charcot-Marie-Tooth disease type 2. Last evaluated: 2019-11-05. Review status: criteria provided, single submitter. Criteria: Invitae Variant Classification Sherloc (09022015). Collection method: clinical testing. Allele origin: germline.
Comment: This sequence change replaces proline with serine at codon 319 of the MED25 protein (p.Pro319Ser). The proline residue is highly conserved and there is a moderate physicochemical difference between proline and serine. This variant is not present in population databases (ExAC no frequency). In summary, the available evidence is currently insufficient to determine the role of this variant in disease. Therefore, it has been classified as a Variant of Uncertain Significance. Algorithms developed to predict the effect of missense changes on protein structure and function are either unavailable or do not agree on the potential impact of this missense change (SIFT: "Deleterious"; PolyPhen-2: "Possibly Damaging"; Align-GVGD: "Class C0"). This variant has not been reported in the literature in individuals with MED25-related conditions.